The following is an entry in ClinVar:

ClinVar aggregate classification (germline): Uncertain significance (1 of 4 stars; one submission).

gnomAD v4.1: 6 of 1,613,474 alleles (0.00037%); highest among the groups gnomAD compares: Non-Finnish European, 0.00017%; no homozygotes.

Submission:

Labcorp Genetics (formerly Invitae), Labcorp
Classification: Uncertain significance. Last evaluated: 2025-08-06. Review status: criteria provided, single submitter. Criteria: Invitae Variant Classification Sherloc (09022015). Collection method: clinical testing. Allele origin: germline.
Comment: This sequence change replaces arginine, which is basic and polar, with glutamine, which is neutral and polar, at codon 158 of the ROBO2 protein (p.Arg158Gln). This variant is present in population databases (rs768512674, gnomAD 0.009%). This missense change has been observed in individual(s) with congenital anomalies of the kidney and urinary tract (PMID: 36549658). Invitae Evidence Modeling of protein sequence and biophysical properties (such as structural, functional, and spatial information, amino acid conservation, physicochemical variation, residue mobility, and thermodynamic stability) indicates that this missense variant is not expected to disrupt ROBO2 protein function with a negative predictive value of 95%. In summary, the available evidence is currently insufficient to determine the role of this variant in disease. Therefore, it has been classified as a Variant of Uncertain Significance.

Literature cited by the submitters: PubMed 36549658.

NM_001395656.1(ROBO2):c.473G>A (p.Arg158Gln)

Gene: ROBO2 (roundabout guidance receptor 2; plus strand). Cytogenetic location: 3p12.3.
Variant type: single nucleotide variant.
Coding change: c.473G>A on transcript NM_001395656.1 (MANE Select); coding-DNA position 473, G replaced by A.
Protein change: p.Arg158Gln; replaces arginine 158 with glutamine.
Molecular consequence: missense variant. On other transcripts: 5 prime UTR variant (1).
Genome position (GRCh38, 1-based): chr3:77,477,498, G>A. VCF-style: chr3-77477498-G-A. GRCh37 (hg19) VCF-style: chr3-77526649-G-A.
Other names: c.521G>A, p.Arg174Gln (NM_001128929.3, NM_001378190.1, NM_001378191.1 and 5 more transcripts); c.473G>A, p.Arg158Gln (NM_001290039.2, NM_001290040.2, NM_001378193.1 and 3 more transcripts); c.-1446G>A (NM_001290065.2); c.542G>A, p.Arg181Gln (NM_001378192.1, NM_001378194.1, NM_001378198.1 and 5 more transcripts); short protein forms R181Q, R158Q, R174Q.
Identifiers: ClinVar variation 4700687 (VCV004700687.1).
Genomic context (GRCh38, chr3:77,477,498, plus strand): 5'-ACCCCACAGATGTTGTAGTGGCAGCTGGAGAGCCTGCAATCCTGGAGTGCCAGCCTCCCC[G>A]GGGACACCCAGAACCCACCATCTACTGGAAAAAAGACAAAGTTCGAATTGATGACAAGGA-3'
Protein context (NP_001382585.1, residues 148-168): EPAILECQPP[Arg158Gln]GHPEPTIYWK